The following is an entry in ClinVar:

ClinVar aggregate classification (germline): Benign. Review status: criteria provided, multiple submitters, no conflicts (2 of 4 stars). 4 submissions from 4 submitters: Benign (4). Last evaluated 2026-02-03.

Conditions:
Hyperphosphatasemia with bone disease (PDB5). Also called: HYPEROSTOSIS CORTICALIS DEFORMANS JUVENILIS; HYPERPHOSPHATASEMIA, CHRONIC CONGENITAL IDIOPATHIC; HYPERPHOSPHATASIA, FAMILIAL IDIOPATHIC; PAGET DISEASE OF BONE 5, JUVENILE-ONSET; Paget disease of bone 5; Osteoectasia familial. Identifiers: Orphanet 2801, MedGen C0268414, MONDO:0009394, OMIM 239000.

Allele frequency attached by ClinVar (database versions not stated): gnomAD exomes 0.05790 and 0.07262; ESP Exome Variant Server 0.08659; gnomAD 0.09457 and 0.09631; 1000 Genomes Project 30x 0.10197; TOPMed 0.10335; 1000 Genomes Project 0.10463; ExAC 0.11990.
gnomAD v4.1: 97,650 of 1,585,750 alleles (6.2%); highest among the groups gnomAD compares: African/African-American, 17%; 3,784 homozygotes.

Submissions (4):

Labcorp Genetics (formerly Invitae), Labcorp
Classification: Benign. Last evaluated: 2026-02-03. Review status: criteria provided, single submitter. Criteria: Invitae Variant Classification Sherloc (09022015). Collection method: clinical testing. Allele origin: germline.

GeneDx
Classification: Benign. Last evaluated: 2018-11-12. Review status: criteria provided, single submitter. Criteria: GeneDx Variant Classification Process June 2021. Collection method: clinical testing. Allele origin: germline. Affected: yes.

Illumina Laboratory Services, Illumina
Classification: Benign for Hyperphosphatasemia with bone disease. Last evaluated: 2018-01-13. Review status: criteria provided, single submitter. Criteria: ICSL Variant Classification Criteria 13 December 2019. Collection method: clinical testing. Allele origin: germline.
Comment: This variant was observed in the ICSL laboratory as part of a predisposition screen in an ostensibly healthy population. It had not been previously curated by ICSL or reported in the Human Gene Mutation Database (HGMD: prior to June 1st, 2018), and was therefore a candidate for classification through an automated scoring system. Utilizing variant allele frequency, disease prevalence and penetrance estimates, and inheritance mode, an automated score was calculated to assess if this variant is too frequent to cause the disease. Based on the score and internal cut-off values, a variant classified as benign is not then subjected to further curation. The score for this variant resulted in a classification of benign for this disease.

Breakthrough Genomics
Classification: Benign. Review status: criteria provided, single submitter. Criteria: ACMG Guidelines, 2015. Collection method: not provided. Allele origin: germline. Inheritance: Autosomal recessive inheritance. Affected: yes.

NM_002546.4(TNFRSF11B):c.30+15C>T

Gene: TNFRSF11B (TNF receptor superfamily member 11b; minus strand). Cytogenetic location: 8q24.12.
Variant type: single nucleotide variant.
Coding change: c.30+15C>T on transcript NM_002546.4 (MANE Select); 15 bases into the intron after coding-DNA position 30, C replaced by T.
Molecular consequence: intron variant.
Genome position (GRCh38, 1-based): chr8:118,951,777, G>A on the plus strand (C>T on the coding strand, the complement: TNFRSF11B is on the minus strand). VCF-style: chr8-118951777-G-A. GRCh37 (hg19) VCF-style: chr8-119964016-G-A.
Identifiers: ClinVar variation 361696 (VCV000361696.18), dbSNP rs3102734, ClinGen allele CA4855012.
Genomic context (GRCh38, chr8:118,951,777, plus strand): 5'-GCTGGGAGGTTGGGAGACCAGGTGGCAGCAGCCTCCCCAGGCGCCGGGCACCCGTCGGCT[G>A]GCCCAGGGACTTACCACGAGCGCGCAGCACAGCAAGTTGTTCATTGTGGTCCCCGGAAAC-3'